The following is an entry in ClinVar:

ClinVar aggregate classification (germline): Conflicting classifications of pathogenicity. Review status: criteria provided, conflicting classifications (1 of 4 stars). 3 submissions from 3 submitters: Pathogenic (1); Uncertain significance (2). Last evaluated 2021-01-13.

Conditions:
Hereditary cancer-predisposing syndrome. Also called: Tumor predisposition; Hereditary neoplastic syndrome; Neoplastic Syndromes, Hereditary; Hereditary Cancer Syndrome. Identifiers: Orphanet 140162, MedGen C0027672, MeSH D009386, MONDO:0015356.
Hereditary leiomyomatosis and renal cell cancer. Also called: Multiple cutaneous leiomyomas; MULTIPLE CUTANEOUS AND UTERINE LEIOMYOMATA 1, WITH OR WITHOUT RENAL CELL CARCINOMA; FH tumor predisposition syndrome; LEIOMYOMA, MULTIPLE CUTANEOUS; Reed syndrome; Multiple cutaneous and uterine leiomyomatosis. Identifiers: Orphanet 523, MedGen C1708350, MONDO:0007888, OMIM 150800, HP:0007437. Disease mechanism: loss of function.

Submissions (3):

Ambry Genetics
Classification: Pathogenic for Hereditary cancer-predisposing syndrome. Last evaluated: 2021-01-13. Review status: criteria provided, single submitter. Criteria: Ambry Variant Classification Scheme 2023. Collection method: clinical testing. Allele origin: germline.
Comment: The c.1506dupA pathogenic mutation, located in coding exon 10 of the FH gene, results from a duplication of A at nucleotide position 1506, causing a translational frameshift with a predicted alternate stop codon. This alteration occurs at the 3' terminus of theFH gene, is not expected to trigger nonsense-mediated mRNA decay, and only impacts the last 1.6%/8AA of the protein. However, the impacted region is critical for protein function (Ambry internal data; Alam NA et al. J Mol Diagn, 2005 Oct;7:437-43). This alteration has been observed in at least one individual with a personal and/or family history that is consistent with FH-related disease (Ambry internal data). This alteration is expected to result in loss of function by premature protein truncation. As such, this alteration is interpreted as a disease-causing mutation.

Genomic Diagnostic Laboratory, Division of Genomic Diagnostics, Children's Hospital of Philadelphia
Classification: Uncertain significance for Hereditary leiomyomatosis and renal cell cancer. Last evaluated: 2017-01-17. Review status: criteria provided, single submitter. Criteria: DGD Variant Analysis Guidelines. Collection method: clinical testing. Allele origin: germline. Affected: yes. Observed: 1 variant allele.
Comment: Clinical Testing

GeneDx
Classification: Uncertain significance. Last evaluated: 2016-01-27. Review status: criteria provided, single submitter. Criteria: GeneDx Variant Classification (06012015). Collection method: clinical testing. Allele origin: germline. Affected: yes.
Comment: The c.1506dupA variant in the FH gene causes a frameshift starting with codon Proline 503, changes this amino acid to a Threonine residue and creates a premature Stop codon at position 2 of the new reading frame, denoted p.Pro503ThrfsX2. This variant is predicted to cause loss of normal protein function through protein truncation; however, only the last 8 amino acids of the protein are affected, making the magnitude of this effect uncertain. No downstream frameshift variants in the FH gene have been reported in the Human Gene Mutation Database (Stenson et al., 2014). The c.1506dupA variant was not observed in approximately 6,500 individuals of European and African American ancestry in the NHLBI Exome Sequencing Project, indicating it is not a common benign variant in these populations. Therefore, based on the currently available information, it is unclear whether this variant is a pathogenic variant or a rare benign variant.

NM_000143.4(FH):c.1506dup (p.Pro503fs)

Gene: FH (fumarate hydratase; minus strand). Cytogenetic location: 1q43.
Variant type: Duplication.
Coding change: c.1506dup on transcript NM_000143.4 (MANE Select); coding-DNA position 1506, one base duplicated (A; older notation c.1506dupA).
Protein change: p.Pro503fs; shifts the reading frame from proline 503.
Molecular consequence: frameshift variant.
Genome position (GRCh38, 1-based): chr1:241,497,855, T duplicated on the plus strand (A on the coding strand, the reverse complement: FH is on the minus strand); the first of 4 consecutive T bases (chr1:241,497,855-241,497,858); duplicating any one gives the same sequence. VCF-style (leftmost placement, unchanged base first): chr1-241497854-G-GT. GRCh37 (hg19) VCF-style: chr1-241661154-G-GT.
Other names: c.1506dupA (NM_000143.3); short protein forms P503fs.
Identifiers: ClinVar variation 279808 (VCV000279808.6), dbSNP rs886041202, ClinGen allele CA10602765.